The following is an entry in ClinVar:

NM_002471.4(MYH6):c.2653_2655del (p.Glu885del)

Gene: MYH6 (myosin heavy chain 6; minus strand). Cytogenetic location: 14q11.2.
Variant type: Deletion.
Coding change: c.2653_2655del on transcript NM_002471.4 (MANE Select); coding-DNA positions 2653 to 2655, 3 bases deleted (GAG; older notation c.2653_2655delGAG).
Protein change: p.Glu885del; deletes glutamic acid 885.
Molecular consequence: inframe deletion.
Genome position (GRCh38, 1-based): chr14:23,394,098-23,394,100, CTC deleted on the plus strand (GAG on the coding strand, the reverse complement: MYH6 is on the minus strand); deleting any 3 consecutive bases within chr14:23,394,098-23,394,102 gives the same sequence; the c. name uses the placement nearest the transcript's 3' end. VCF-style (leftmost placement, unchanged base first): chr14-23394097-TCTC-T. GRCh37 (hg19) VCF-style: chr14-23863306-TCTC-T.
Other names: short protein forms E885del.
Identifiers: ClinVar variation 1005702 (VCV001005702.8), dbSNP rs1891322319, ClinGen allele CA2123414660.

ClinVar aggregate classification (germline): Uncertain significance (1 of 4 stars; one submission).

Conditions:
Hypertrophic cardiomyopathy 14. Identifiers: MedGen C2750467, MONDO:0013197, OMIM 613251.

Submission:

Labcorp Genetics (formerly Invitae), Labcorp
Classification: Uncertain significance for Hypertrophic cardiomyopathy 14. Last evaluated: 2020-04-14. Review status: criteria provided, single submitter. Criteria: Invitae Variant Classification Sherloc (09022015). Collection method: clinical testing. Allele origin: germline.
Comment: In summary, the available evidence is currently insufficient to determine the role of this variant in disease. Therefore, it has been classified as a Variant of Uncertain Significance. Experimental studies and prediction algorithms are not available or were not evaluated, and the functional significance of this variant is currently unknown. This variant has not been reported in the literature in individuals with MYH6-related conditions. This variant is not present in population databases (ExAC no frequency). This variant, c.2653_2655del, results in the deletion of 1 amino acid(s) of the MYH6 protein (p.Glu885del), but otherwise preserves the integrity of the reading frame.